The following is an entry in ClinVar:

NM_000046.5(ARSB):c.312+2T>G

Genes: ARSB (arylsulfatase B; minus strand), LOC129994126 (ATAC-STARR-seq lymphoblastoid silent region 16127; plus strand). Cytogenetic location: 5q14.1.
Variant type: single nucleotide variant.
Coding change: c.312+2T>G on transcript NM_000046.5 (MANE Select); the canonical splice donor site of the intron after coding-DNA position 312, T replaced by G.
Molecular consequence: splice donor variant.
Genome position (GRCh38, 1-based): chr5:78,984,935, A>C on the plus strand (T>G on the coding strand, the complement: ARSB is on the minus strand). VCF-style: chr5-78984935-A-C. GRCh37 (hg19) VCF-style: chr5-78280758-A-C.
Other names: c.312+2T>G (NM_198709.3).
Identifiers: ClinVar variation 2503905 (VCV002503905.2), dbSNP rs2530666598, ClinGen allele CA360196258.

ClinVar aggregate classification (germline): Pathogenic/Likely pathogenic. Review status: criteria provided, multiple submitters, no conflicts (2 of 4 stars). 2 submissions from 2 submitters: Pathogenic (1); Likely pathogenic (1). Last evaluated 2023-10-07.

Conditions:
Mucopolysaccharidosis type 6 (MPS6). Also called: N-ACETYLGALACTOSAMINE-4-SULFATASE DEFICIENCY; MPS VI; ARSB DEFICIENCY; ARYLSULFATASE B DEFICIENCY; MPS 6; Maroteaux Lamy syndrome. Identifiers: Orphanet 583, MedGen C0026709, MONDO:0009661, OMIM 253200.

Submissions (2):

Baylor Genetics
Classification: Pathogenic for Mucopolysaccharidosis type 6. Last evaluated: 2023-10-07. Review status: criteria provided, single submitter. Criteria: ACMG Guidelines, 2015. Collection method: clinical testing. Allele origin: unknown.

Women's Health and Genetics/Laboratory Corporation of America, LabCorp
Classification: Likely pathogenic for Mucopolysaccharidosis type 6. Last evaluated: 2023-04-06. Review status: criteria provided, single submitter. Criteria: LabCorp Variant Classification Summary - May 2015. Collection method: clinical testing. Allele origin: germline.
Comment: Variant summary: ARSB c.312+2T>G is located in a canonical splice-site and is predicted to affect mRNA splicing resulting in a significantly altered protein due to either exon skipping, shortening, or inclusion of intronic material. Several computational tools predict a significant impact on normal splicing: Four predict the variant abolishes a canonical 5' splicing donor site. However, these predictions have yet to be confirmed by functional studies. The variant was absent in 71310 control chromosomes (gnomAD). c.312+2T>G has been reported in the literature in at least one compound heterozygous individual affected with Mucopolysaccharidosis Type VI (Maroteaux-Lamy Syndrome, Fang_2022). These data do not allow any conclusion about variant significance. To our knowledge, no experimental evidence demonstrating an impact on protein function has been reported. No clinical diagnostic laboratories have submitted clinical-significance assessments for this variant to ClinVar after 2014. Based on the evidence outlined above, the variant was classified as likely pathogenic.

Literature cited by the submitters: PubMed 34813777 (cited by Women's Health and Genetics/Laboratory Corporation of America, LabCorp).